The following is an entry in ClinVar:

ClinVar aggregate classification (germline): Uncertain significance (0 of 4 stars; one submission).

Allele frequency attached by ClinVar (database versions not stated): ExAC 0.00001.

Submission:

Genetic Services Laboratory, University of Chicago
Classification: Uncertain significance. Last evaluated: 2022-09-06. Review status: no assertion criteria provided. Collection method: clinical testing. Allele origin: germline. Affected: no.
Comment: DNA sequence analysis of the ELANE gene demonstrated a sequence change, c.418G>T, in exon 4 that results in an amino acid change, p.Ala140Ser. This sequence change does not appear to have been previously described in individuals with ELANE-related disorders. This sequence change has been described in the gnomAD database in one individual which corresponds to a global population frequency of 0.0004% (dbSNP rs760393415). The p.Ala140Ser change affects a highly conserved amino acid residue located in a domain of the ELANE protein that is known to be functional. The p.Ala140Ser substitution appears to be possibly benign using several in-silico pathogenicity prediction tools (SIFT, PolyPhen2, Align GVGD, REVEL). Due to insufficient evidences and the lack of functional studies, the clinical significance of the p.Ala140Ser change remains unknown at this time.

NM_001972.4(ELANE):c.418G>T (p.Ala140Ser)

Gene: ELANE (elastase, neutrophil expressed; plus strand). Cytogenetic location: 19p13.3.
Variant type: single nucleotide variant.
Coding change: c.418G>T on transcript NM_001972.4 (MANE Select); coding-DNA position 418, G replaced by T.
Protein change: p.Ala140Ser; replaces alanine 140 with serine.
Molecular consequence: missense variant.
Genome position (GRCh38, 1-based): chr19:855,615, G>T. VCF-style: chr19-855615-G-T. GRCh37 (hg19) VCF-style: chr19-855615-G-T.
Other names: short protein forms A140S.
Identifiers: ClinVar variation 2443121 (VCV002443121.2), dbSNP rs760393415, ClinGen allele CA9026051.